The following is an entry in ClinVar:

NM_006744.4(RBP4):c.373G>A (p.Val125Ile)

Gene: RBP4 (retinol binding protein 4; minus strand). Cytogenetic location: 10q23.33.
Variant type: single nucleotide variant.
Coding change: c.373G>A on transcript NM_006744.4 (MANE Select); coding-DNA position 373, G replaced by A.
Protein change: p.Val125Ile; replaces valine 125 with isoleucine.
Molecular consequence: missense variant.
Genome position (GRCh38, 1-based): chr10:93,594,018, C>T on the plus strand (G>A on the coding strand, the complement: RBP4 is on the minus strand). VCF-style: chr10-93594018-C-T. GRCh37 (hg19) VCF-style: chr10-95353775-C-T.
Other names: c.373G>A, p.Val125Ile (NM_001323517.1); c.367G>A, p.Val123Ile (NM_001323518.2); short protein forms V123I, V125I.
Identifiers: ClinVar variation 951540 (VCV000951540.9), dbSNP rs370579379, ClinGen allele CA211550972.

ClinVar aggregate classification (germline): Uncertain significance (1 of 4 stars; one submission).

Allele frequency attached by ClinVar (database versions not stated): gnomAD exomes below 0.00001 and 0.00001; gnomAD 0.00001; TOPMed 0.00001; ESP Exome Variant Server 0.00008.
gnomAD v4.1: 7 of 1,613,494 alleles (0.00043%); highest among the groups gnomAD compares: Admixed American, 0.0033%; no homozygotes.

Submission:

Labcorp Genetics (formerly Invitae), Labcorp
Classification: Uncertain significance. Last evaluated: 2023-12-11. Review status: criteria provided, single submitter. Criteria: Invitae Variant Classification Sherloc (09022015). Collection method: clinical testing. Allele origin: germline.
Comment: This sequence change replaces valine, which is neutral and non-polar, with isoleucine, which is neutral and non-polar, at codon 125 of the RBP4 protein (p.Val125Ile). The frequency data for this variant in the population databases is considered unreliable, as metrics indicate poor data quality at this position in the gnomAD database. This variant has not been reported in the literature in individuals affected with RBP4-related conditions. ClinVar contains an entry for this variant (Variation ID: 951540). Algorithms developed to predict the effect of missense changes on protein structure and function output the following: SIFT: "Not Available"; PolyPhen-2: "Benign"; Align-GVGD: "Not Available". The isoleucine amino acid residue is found in multiple mammalian species, which suggests that this missense change does not adversely affect protein function. In summary, the available evidence is currently insufficient to determine the role of this variant in disease. Therefore, it has been classified as a Variant of Uncertain Significance.